The following is an entry in ClinVar:

NM_005343.4(HRAS):c.511C>G (p.Leu171Val)

Genes: HRAS (HRas proto-oncogene, GTPase; minus strand), LRRC56 (leucine rich repeat containing 56; plus strand). Cytogenetic location: 11p15.5.
Variant type: single nucleotide variant.
Coding change: c.511C>G on transcript NM_005343.4 (MANE Select); coding-DNA position 511, C replaced by G.
Protein change: p.Leu171Val; replaces leucine 171 with valine.
Molecular consequence: missense variant. On other transcripts: 3 prime UTR variant (1).
Genome position (GRCh38, 1-based): chr11:532,695, G>C on the plus strand (C>G on the coding strand, the complement: HRAS is on the minus strand). VCF-style: chr11-532695-G-C. GRCh37 (hg19) VCF-style: chr11-532695-G-C.
Other names: c.511C>G, p.Leu171Val (NM_001130442.3); c.274C>G, p.Leu92Val (NM_001318054.2); c.*80C>G (NM_176795.5); short protein forms L92V, L171V.
Identifiers: ClinVar variation 2693094 (VCV002693094.3), dbSNP rs2539784119, ClinGen allele CA378921099.

ClinVar aggregate classification (germline): Uncertain significance (1 of 4 stars; one submission).

Conditions:
Costello syndrome (CSTLO). Also called: FACIOCUTANEOSKELETAL SYNDROME; HRAS-Related Costello Syndrome; FCS SYNDROME. Identifiers: Orphanet 3071, MedGen C0587248, MONDO:0009026, OMIM 218040.

Submission:

Labcorp Genetics (formerly Invitae), Labcorp
Classification: Uncertain significance for Costello syndrome. Last evaluated: 2023-11-04. Review status: criteria provided, single submitter. Criteria: Invitae Variant Classification Sherloc (09022015). Collection method: clinical testing. Allele origin: germline.
Comment: This sequence change replaces leucine, which is neutral and non-polar, with valine, which is neutral and non-polar, at codon 171 of the HRAS protein (p.Leu171Val). This variant is not present in population databases (gnomAD no frequency). This variant has not been reported in the literature in individuals affected with HRAS-related conditions. Advanced modeling of protein sequence and biophysical properties (such as structural, functional, and spatial information, amino acid conservation, physicochemical variation, residue mobility, and thermodynamic stability) performed at Invitae indicates that this missense variant is not expected to disrupt HRAS protein function with a negative predictive value of 95%. In summary, the available evidence is currently insufficient to determine the role of this variant in disease. Therefore, it has been classified as a Variant of Uncertain Significance.